The following is an entry in ClinVar:

NM_006516.4(SLC2A1):c.487G>A (p.Gly163Ser)

Gene: SLC2A1 (solute carrier family 2 member 1; minus strand). Cytogenetic location: 1p34.2.
Variant type: single nucleotide variant.
Coding change: c.487G>A on transcript NM_006516.4 (MANE Select); coding-DNA position 487, G replaced by A.
Protein change: p.Gly163Ser; replaces glycine 163 with serine.
Molecular consequence: missense variant.
Genome position (GRCh38, 1-based): chr1:42,930,655, C>T on the plus strand (G>A on the coding strand, the complement: SLC2A1 is on the minus strand). VCF-style: chr1-42930655-C-T. GRCh37 (hg19) VCF-style: chr1-43396326-C-T.
Other names: short protein forms G163S.
Identifiers: ClinVar variation 426172 (VCV000426172.2), dbSNP rs1085307483, ClinGen allele CA339960405.

ClinVar aggregate classification (germline): Uncertain significance (1 of 4 stars; one submission).

Allele frequency attached by ClinVar (database versions not stated): TOPMed 0.00001.

Submission:

GeneDx
Classification: Uncertain significance. Last evaluated: 2017-04-28. Review status: criteria provided, single submitter. Criteria: GeneDx Variant Classification (06012015). Collection method: clinical testing. Allele origin: germline. Affected: yes.
Comment: The G163S variant in the SLC2A1 gene has not been reported previously as a pathogenic variant, nor as a benign variant, to our knowledge. The G163S variant is not observed in large population cohorts (Lek et al., 2016; 1000 Genomes Consortium et al., 2015; Exome Variant Server). The G163S variant is a non-conservative amino acid substitution, which is likely to impact secondary protein structure as these residues differ in polarity, charge, size and/or other properties. This substitution occurs at a position that is conserved across species. In silico analysis is inconsistent in its predictions as to whether or not the variant is damaging to the protein structure/function. Missense variants in nearby residues (L159R, V165I) have been reported in the Human Gene Mutation Database in association with SLC2A1-related disorders (Stenson et al., 2014), suggesting a functional importance for this region of the protein. We interpret G163S as a variant of uncertain significance.